The following is an entry in ClinVar:

ClinVar aggregate classification (germline): Uncertain significance (1 of 4 stars; one submission).

Conditions:
Perlman syndrome (PRLMNS). Identifiers: Orphanet 2849, MedGen C0796113, MONDO:0009965, OMIM 267000.

Submission:

Labcorp Genetics (formerly Invitae), Labcorp
Classification: Uncertain significance for Perlman syndrome. Last evaluated: 2022-12-26. Review status: criteria provided, single submitter. Criteria: Invitae Variant Classification Sherloc (09022015). Collection method: clinical testing. Allele origin: germline.
Comment: This sequence change falls in intron 15 of the DIS3L2 gene. It does not directly change the encoded amino acid sequence of the DIS3L2 protein. It affects a nucleotide within the consensus splice site. This variant is not present in population databases (gnomAD no frequency). In summary, the available evidence is currently insufficient to determine the role of this variant in disease. Therefore, it has been classified as a Variant of Uncertain Significance. Variants that disrupt the consensus splice site are a relatively common cause of aberrant splicing (PMID: 17576681, 9536098). Algorithms developed to predict the effect of sequence changes on RNA splicing suggest that this variant may create or strengthen a splice site. This variant has not been reported in the literature in individuals affected with DIS3L2-related conditions.

Literature cited by the submitters: PubMed 17576681; PubMed 9536098.

NM_152383.5(DIS3L2):c.1923+6T>C

Gene: DIS3L2 (DIS3 like 3'-5' exoribonuclease 2; plus strand). Cytogenetic location: 2q37.1.
Variant type: single nucleotide variant.
Coding change: c.1923+6T>C on transcript NM_152383.5 (MANE Select); 6 bases into the intron after coding-DNA position 1923, T replaced by C.
Molecular consequence: intron variant.
Genome position (GRCh38, 1-based): chr2:232,330,002, T>C. VCF-style: chr2-232330002-T-C. GRCh37 (hg19) VCF-style: chr2-233194712-T-C.
Other names: c.1582-13343T>C (NM_001257281.2).
Identifiers: ClinVar variation 2824372 (VCV002824372.3), dbSNP rs2469434722, ClinGen allele CA2739279742.
Genomic context (GRCh38, chr2:232,330,002, plus strand): 5'-ATTCTGCGACCAGATGGGGCTGCCCGTGGACTTCAGCTCCGCAGGAGCCCTCAATGTGAG[T>C]GGTGGGCAGGATTCGGGGGAGGCCCTGCTTGGGGGAAAGAAGAGAAAGACCTGGAAGGTG-3'